The following is an entry in ClinVar:

NM_000350.3(ABCA4):c.4774-2A>G

Genes: ABCA4 (ATP binding cassette subfamily A member 4; minus strand), LOC126805793 (CDK7 strongly-dependent group 2 enhancer GRCh37_chr1:94486302-94487501; plus strand). Cytogenetic location: 1p22.1.
Variant type: single nucleotide variant.
Coding change: c.4774-2A>G on transcript NM_000350.3 (MANE Select); the canonical splice acceptor site of the intron before coding-DNA position 4774, A replaced by G.
Molecular consequence: splice acceptor variant.
Genome position (GRCh38, 1-based): chr1:94,021,716, T>C on the plus strand (A>G on the coding strand, the complement: ABCA4 is on the minus strand). VCF-style: chr1-94021716-T-C. GRCh37 (hg19) VCF-style: chr1-94487272-T-C.
Identifiers: ClinVar variation 862984 (VCV000862984.10), dbSNP rs61750154, ClinGen allele CA341283733.

ClinVar aggregate classification (germline): Pathogenic (1 of 4 stars; one submission).

Submission:

Labcorp Genetics (formerly Invitae), Labcorp
Classification: Pathogenic. Last evaluated: 2021-02-08. Review status: criteria provided, single submitter. Criteria: Invitae Variant Classification Sherloc (09022015). Collection method: clinical testing. Allele origin: germline.
Comment: For these reasons, this variant has been classified as Pathogenic. Algorithms developed to predict the effect of sequence changes on RNA splicing suggest that this variant may disrupt the consensus splice site, but this prediction has not been confirmed by published transcriptional studies. Disruption of this splice site has been observed in individual(s) with ABCA4-related retinal dystrophy (PMID: 31934596, 10634594, Invitae). ClinVar contains an entry for this variant (Variation ID: 862984). This variant is not present in population databases (ExAC no frequency). This sequence change affects an acceptor splice site in intron 33 of the ABCA4 gene. It is expected to disrupt RNA splicing. Variants that disrupt the donor or acceptor splice site typically lead to a loss of protein function (PMID: 16199547), and loss-of-function variants in ABCA4 are known to be pathogenic (PMID: 10958761, 24938718, 25312043, 26780318).

Literature cited by the submitters: PubMed 31934596; PubMed 10634594; PubMed 16199547; PubMed 10958761; PubMed 24938718; PubMed 25312043; PubMed 26780318.